The following is an entry in ClinVar:

ClinVar aggregate classification (germline): Uncertain significance. Review status: criteria provided, multiple submitters, no conflicts (2 of 4 stars). 2 submissions from 2 submitters: Uncertain significance (2). Last evaluated 2024-11-05.

Conditions:
Ataxia-telangiectasia syndrome (AT). Also called: ATAXIA-TELANGIECTASIA, COMPLEMENTATION GROUP A; ATAXIA-TELANGIECTASIA, FRESNO VARIANT; Ataxia-telangiectasia; Ataxia-telangiectasia, complementation group D; AT, COMPLEMENTATION GROUP C; Ataxia-telangiectasia, complementation group E. Identifiers: Orphanet 100, MedGen C0004135, MONDO:0008840, OMIM 208900.

Submissions (2):

GeneDx
Classification: Uncertain significance. Last evaluated: 2024-11-05. Review status: criteria provided, single submitter. Criteria: GeneDx Variant Classification Process June 2021. Collection method: clinical testing. Allele origin: germline. Affected: yes.
Comment: Not observed at significant frequency in large population cohorts (gnomAD); In silico analysis indicates that this missense variant does not alter protein structure/function; Has not been previously published as pathogenic or benign to our knowledge; This variant is associated with the following publications: (PMID: 19781682)

Labcorp Genetics (formerly Invitae), Labcorp
Classification: Uncertain significance for Ataxia-telangiectasia syndrome. Last evaluated: 2021-08-28. Review status: criteria provided, single submitter. Criteria: Invitae Variant Classification Sherloc (09022015). Collection method: clinical testing. Allele origin: germline.
Comment: This sequence change replaces serine with alanine at codon 1152 of the ATM protein (p.Ser1152Ala). The serine residue is weakly conserved and there is a moderate physicochemical difference between serine and alanine. This variant is not present in population databases (ExAC no frequency). This variant has not been reported in the literature in individuals affected with ATM-related conditions. Algorithms developed to predict the effect of missense changes on protein structure and function output the following: SIFT: "Tolerated"; PolyPhen-2: "Benign"; Align-GVGD: "Class C0". The alanine amino acid residue is found in multiple mammalian species, which suggests that this missense change does not adversely affect protein function. In summary, the available evidence is currently insufficient to determine the role of this variant in disease. Therefore, it has been classified as a Variant of Uncertain Significance.

NM_000051.4(ATM):c.3454T>G (p.Ser1152Ala)

Gene: ATM (ATM serine/threonine kinase; plus strand). Cytogenetic location: 11q22.3.
Variant type: single nucleotide variant.
Coding change: c.3454T>G on transcript NM_000051.4 (MANE Select); coding-DNA position 3454, T replaced by G.
Protein change: p.Ser1152Ala; replaces serine 1152 with alanine.
Molecular consequence: missense variant.
Genome position (GRCh38, 1-based): chr11:108,281,046, T>G. VCF-style: chr11-108281046-T-G. GRCh37 (hg19) VCF-style: chr11-108151773-T-G.
Other names: c.3454T>G, p.Ser1152Ala (NM_001351834.2); short protein forms S1152A.
Identifiers: ClinVar variation 524308 (VCV000524308.7), dbSNP rs1176188506, ClinGen allele CA382519358.